The following is an entry in ClinVar:

ClinVar aggregate classification (germline): Uncertain significance (1 of 4 stars; one submission).

Conditions:
Charcot-Marie-Tooth disease type 4. Also called: Charcot-Marie-Tooth disease, type IV; Charcot-Marie-Tooth, Type 4. Identifiers: Orphanet 64749, MedGen C4082197, MONDO:0018995.

Allele frequency attached by ClinVar (database versions not stated): TOPMed below 0.00001; ESP Exome Variant Server 0.00008.
gnomAD v4.1: 1 of 1,614,224 alleles (0.000062%); no homozygotes.

Submission:

Labcorp Genetics (formerly Invitae), Labcorp
Classification: Uncertain significance for Charcot-Marie-Tooth disease type 4. Last evaluated: 2022-08-04. Review status: criteria provided, single submitter. Criteria: Invitae Variant Classification Sherloc (09022015). Collection method: clinical testing. Allele origin: germline.
Comment: This sequence change replaces glutamic acid, which is acidic and polar, with lysine, which is basic and polar, at codon 1106 of the SH3TC2 protein (p.Glu1106Lys). This variant is not present in population databases (gnomAD no frequency). This variant has not been reported in the literature in individuals affected with SH3TC2-related conditions. Advanced modeling of protein sequence and biophysical properties (such as structural, functional, and spatial information, amino acid conservation, physicochemical variation, residue mobility, and thermodynamic stability) performed at Invitae indicates that this missense variant is not expected to disrupt SH3TC2 protein function. In summary, the available evidence is currently insufficient to determine the role of this variant in disease. Therefore, it has been classified as a Variant of Uncertain Significance.

NM_024577.4(SH3TC2):c.3316G>A (p.Glu1106Lys)

Gene: SH3TC2 (SH3 domain and tetratricopeptide repeats 2; minus strand). Cytogenetic location: 5q32.
Variant type: single nucleotide variant.
Coding change: c.3316G>A on transcript NM_024577.4 (MANE Select); coding-DNA position 3316, G replaced by A.
Protein change: p.Glu1106Lys; replaces glutamic acid 1106 with lysine.
Molecular consequence: missense variant.
Genome position (GRCh38, 1-based): chr5:149,010,281, C>T on the plus strand (G>A on the coding strand, the complement: SH3TC2 is on the minus strand). VCF-style: chr5-149010281-C-T. GRCh37 (hg19) VCF-style: chr5-148389844-C-T.
Other names: short protein forms E1106K.
Identifiers: ClinVar variation 2153268 (VCV002153268.4), dbSNP rs372726642, ClinGen allele CA128998601.